The following is an entry in ClinVar:

ClinVar aggregate classification (germline): Uncertain significance. Review status: criteria provided, multiple submitters, no conflicts (2 of 4 stars). 2 submissions from 2 submitters: Uncertain significance (2). Last evaluated 2024-08-27.

Conditions:
Inborn genetic diseases. Identifiers: MedGen C0950123, MeSH D030342.

Submissions (2):

Labcorp Genetics (formerly Invitae), Labcorp
Classification: Uncertain significance. Last evaluated: 2024-08-27. Review status: criteria provided, single submitter. Criteria: Invitae Variant Classification Sherloc (09022015). Collection method: clinical testing. Allele origin: germline.
Comment: This sequence change replaces glycine, which is neutral and non-polar, with glutamic acid, which is acidic and polar, at codon 263 of the THPO protein (p.Gly263Glu). This variant is present in population databases (no rsID available, gnomAD 0.007%). This variant has not been reported in the literature in individuals affected with THPO-related conditions. Invitae Evidence Modeling of protein sequence and biophysical properties (such as structural, functional, and spatial information, amino acid conservation, physicochemical variation, residue mobility, and thermodynamic stability) indicates that this missense variant is not expected to disrupt THPO protein function with a negative predictive value of 80%. In summary, the available evidence is currently insufficient to determine the role of this variant in disease. Therefore, it has been classified as a Variant of Uncertain Significance.

Ambry Genetics
Classification: Uncertain significance for Inborn genetic diseases. Last evaluated: 2024-06-22. Review status: criteria provided, single submitter. Criteria: Ambry Variant Classification Scheme 2023. Collection method: clinical testing. Allele origin: germline.

NM_000460.4(THPO):c.788G>A (p.Gly263Glu)

Gene: THPO (thrombopoietin; minus strand). Cytogenetic location: 3q27.1.
Variant type: single nucleotide variant.
Coding change: c.788G>A on transcript NM_000460.4 (MANE Select); coding-DNA position 788, G replaced by A.
Protein change: p.Gly263Glu; replaces glycine 263 with glutamic acid.
Molecular consequence: missense variant. On other transcripts: nonsense (4).
Genome position (GRCh38, 1-based): chr3:184,372,787, C>T on the plus strand (G>A on the coding strand, the complement: THPO is on the minus strand). VCF-style: chr3-184372787-C-T. GRCh37 (hg19) VCF-style: chr3-184090575-C-T.
Other names: c.788G>A, p.Gly263Glu (NM_001290028.1, NM_001289998.1); c.776G>A, p.Gly259Glu (NM_001177597.2, NM_001290022.1); c.771G>A, p.Trp257Ter (NM_001177598.2, NM_001290026.1); c.672G>A, p.Trp224Ter (NM_001289997.1, NM_001290027.1); c.1208G>A, p.Gly403Glu (NM_001290003.1); short protein forms G263E, G403E, G259E, W224*, W257*.
Identifiers: ClinVar variation 3325953 (VCV003325953.3).